The following is an entry in ClinVar:

ClinVar aggregate classification (germline): Benign (1 of 4 stars; one submission).

Conditions:
Leigh syndrome (NULS). Also called: Leigh's necrotizing encephalopathy; Leigh's disease; Leigh Syndrome (mtDNA deletion); Leigh Disease; Subacute necrotizing encephalopathy; Necrotizing encephalopathy infantile subacute of Leigh. Identifiers: Orphanet 506, MedGen C2931891, MONDO:0009723, OMIM 256000.

Submission:

Wong Mito Lab, Molecular and Human Genetics, Baylor College of Medicine
Classification: Benign for Leigh syndrome. Last evaluated: 2019-10-17. Review status: criteria provided, single submitter. Criteria: Modified ACMG Guidelines (Unpublished). Collection method: clinical testing. Allele origin: germline.
Comment: The NC_012920.1:m.11172A>G (YP_003024035.1:p.Asn138Ser) variant in MTND4 gene is interpretated to be a Benign variant based on the modified ACMG guidelines (unpublished). This variant meets the following evidence codes: BA1

NC_012920.1(MT-ND4):m.11172A>G

Gene: MT-ND4 (mitochondrially encoded NADH dehydrogenase 4; plus strand).
Variant type: single nucleotide variant.
Genome position: chrM-11172-A-G.
Identifiers: ClinVar variation 693350 (VCV000693350.1), dbSNP rs2853489, ClinGen allele CA337099107.
Genomic context (GRCh38, chrMT:11,172, plus strand): 5'-TTTATATCTTCTTCGAAACCACACTTATCCCCACCTTGGCTATCATCACCCGATGAGGCA[A>G]CCAGCCAGAACGCCTGAACGCAGGCACATACTTCCTATTCTACACCCTAGTAGGCTCCCT-3'